The following is an entry in ClinVar:

NM_003041.4(SLC5A2):c.767A>G (p.Tyr256Cys)

Gene: SLC5A2 (solute carrier family 5 member 2; plus strand). Cytogenetic location: 16p11.2.
Variant type: single nucleotide variant.
Coding change: c.767A>G on transcript NM_003041.4 (MANE Select); coding-DNA position 767, A replaced by G.
Protein change: p.Tyr256Cys; replaces tyrosine 256 with cysteine.
Molecular consequence: missense variant. On other transcripts: non-coding transcript variant (1).
Genome position (GRCh38, 1-based): chr16:31,487,641, A>G. VCF-style: chr16-31487641-A-G. GRCh37 (hg19) VCF-style: chr16-31498962-A-G.
Other names: short protein forms Y256C.
Identifiers: ClinVar variation 2395417 (VCV002395417.4), dbSNP rs1377916474, ClinGen allele CA395753708.

ClinVar aggregate classification (germline): Uncertain significance. Review status: criteria provided, multiple submitters, no conflicts (2 of 4 stars). 2 submissions from 2 submitters: Uncertain significance (2). Last evaluated 2025-12-29.

Conditions:
SLC5A2-related disorder. Also called: SLC5A2-related condition.
Inborn genetic diseases. Identifiers: MedGen C0950123, MeSH D030342.

Allele frequency attached by ClinVar (database versions not stated): gnomAD 0.00001; gnomAD exomes 0.00001; TOPMed 0.00003.
gnomAD v4.1: 9 of 1,613,636 alleles (0.00056%); highest among the groups gnomAD compares: African/African-American, 0.0013%; no homozygotes.

Submissions (2):

PreventionGenetics, part of Exact Sciences
Classification: Uncertain significance for SLC5A2-related condition. Last evaluated: 2025-12-29. Review status: criteria provided, single submitter. Criteria: ACMG Guidelines, 2015. Collection method: clinical testing. Allele origin: germline.
Comment: The SLC5A2 c.767A>G variant is predicted to result in the amino acid substitution p.Tyr256Cys. To our knowledge, this variant has not been reported in the literature. This variant is reported in 0.00088% of alleles in individuals of European (Non-Finnish) descent in gnomAD. At this time, the clinical significance of this variant is uncertain due to the absence of conclusive functional and genetic evidence.

Ambry Genetics
Classification: Uncertain significance for Inborn genetic diseases. Last evaluated: 2025-11-12. Review status: criteria provided, single submitter. Criteria: Ambry Variant Classification Scheme 2023. Collection method: clinical testing. Allele origin: germline.